The following is an entry in ClinVar:

NM_003664.5(AP3B1):c.3038C>T (p.Ala1013Val)

Gene: AP3B1 (adaptor related protein complex 3 subunit beta 1; minus strand). Cytogenetic location: 5q14.1.
Variant type: single nucleotide variant.
Coding change: c.3038C>T on transcript NM_003664.5 (MANE Select); coding-DNA position 3038, C replaced by T.
Protein change: p.Ala1013Val; replaces alanine 1013 with valine.
Molecular consequence: missense variant.
Genome position (GRCh38, 1-based): chr5:78,015,503, G>A on the plus strand (C>T on the coding strand, the complement: AP3B1 is on the minus strand). VCF-style: chr5-78015503-G-A. GRCh37 (hg19) VCF-style: chr5-77311327-G-A.
Other names: c.2891C>T, p.Ala964Val (NM_001271769.2); short protein forms A1013V, A964V.
Identifiers: ClinVar variation 3685446 (VCV003685446.2).

ClinVar aggregate classification (germline): Uncertain significance (1 of 4 stars; one submission).

Conditions:
Hermansky-Pudlak syndrome 2 (HPS2). Also called: Platelet defects and oculocutaneous albinism. Identifiers: Orphanet 183678, Orphanet 79430, MedGen C1842362, MONDO:0011997, OMIM 608233.

Submission:

Labcorp Genetics (formerly Invitae), Labcorp
Classification: Uncertain significance for Hermansky-Pudlak syndrome 2. Last evaluated: 2024-05-10. Review status: criteria provided, single submitter. Criteria: Invitae Variant Classification Sherloc (09022015). Collection method: clinical testing. Allele origin: germline.
Comment: This sequence change replaces alanine, which is neutral and non-polar, with valine, which is neutral and non-polar, at codon 1013 of the AP3B1 protein (p.Ala1013Val). This variant is not present in population databases (gnomAD no frequency). This variant has not been reported in the literature in individuals affected with AP3B1-related conditions. An algorithm developed to predict the effect of missense changes on protein structure and function (PolyPhen-2) suggests that this variant is likely to be disruptive. In summary, the available evidence is currently insufficient to determine the role of this variant in disease. Therefore, it has been classified as a Variant of Uncertain Significance.